The following is an entry in ClinVar:

NM_001130438.3(SPTAN1):c.5809A>G (p.Asn1937Asp)

Gene: SPTAN1 (spectrin alpha, non-erythrocytic 1; plus strand). Cytogenetic location: 9q34.11.
Variant type: single nucleotide variant.
Coding change: c.5809A>G on transcript NM_001130438.3 (MANE Select); coding-DNA position 5809, A replaced by G.
Protein change: p.Asn1937Asp; replaces asparagine 1937 with aspartic acid.
Molecular consequence: missense variant.
Genome position (GRCh38, 1-based): chr9:128,621,233, A>G. VCF-style: chr9-128621233-A-G. GRCh37 (hg19) VCF-style: chr9-131383512-A-G.
Other names: c.5809A>G, p.Asn1937Asp (NM_001375311.2, NM_001375313.1, NM_001363759.2 and 1 more transcripts); c.5845A>G, p.Asn1949Asp (NM_001375312.2, NM_001375318.1); c.5749A>G, p.Asn1917Asp (NM_001375314.2, NM_001363765.2); c.5734A>G, p.Asn1912Asp (NM_001195532.2); c.5794A>G, p.Asn1932Asp (NM_003127.4); short protein forms N1912D, N1917D, N1932D, N1937D, N1949D.
Identifiers: ClinVar variation 1314135 (VCV001314135.2), dbSNP rs1554764758, ClinGen allele CA375080130.

ClinVar aggregate classification (germline): Uncertain significance (1 of 4 stars; one submission).

Allele frequency attached by ClinVar (database versions not stated): gnomAD exomes below 0.00001.
gnomAD v4.1: 1 of 1,613,834 alleles (0.000062%); highest among the groups gnomAD compares: Non-Finnish European, 0.000085%; no homozygotes.

Submission:

GeneDx
Classification: Uncertain significance. Last evaluated: 2020-02-05. Review status: criteria provided, single submitter. Criteria: GeneDx Variant Classification Process June 2021. Collection method: clinical testing. Allele origin: germline. Affected: yes.
Comment: Not observed in large population cohorts (Lek et al., 2016); In silico analysis supports that this missense variant does not alter protein structure/function; Has not been previously published as pathogenic or benign to our knowledge